The following is an entry in ClinVar:

NM_130466.4(UBE3B):c.1852C>T (p.Arg618Ter)

Gene: UBE3B (ubiquitin protein ligase E3B; plus strand). Cytogenetic location: 12q24.11.
Variant type: single nucleotide variant.
Coding change: c.1852C>T on transcript NM_130466.4 (MANE Select); coding-DNA position 1852, C replaced by T.
Protein change: p.Arg618Ter; replaces arginine 618 with a stop codon.
Molecular consequence: nonsense.
Genome position (GRCh38, 1-based): chr12:109,510,454, C>T. VCF-style: chr12-109510454-C-T. GRCh37 (hg19) VCF-style: chr12-109948259-C-T.
Other names: c.1852C>T, p.Arg618Ter (NM_183415.3); short protein forms R618*.
Identifiers: ClinVar variation 504153 (VCV000504153.7), dbSNP rs746058354, ClinGen allele CA6778002.
Genomic context (GRCh38, chr12:109,510,454, plus strand): 5'-CTTATGGTGCTGTACGAGCGGGACTGCCGGCGGCGCTTCACCCCCGAGGACCACTGGCTG[C>T]GAAAGTGAGCTCCAGGGGTGAGGAGGGCTCCATGGAAGCCAGCCTGCTCCGGCACGCTGC-3'

ClinVar aggregate classification (germline): Pathogenic/Likely pathogenic. Review status: criteria provided, multiple submitters, no conflicts (2 of 4 stars). 3 submissions from 3 submitters: Pathogenic (1); Likely pathogenic (1). 1 of the submissions does not count toward it. Last evaluated 2023-10-20.

Conditions:
Oculocerebrofacial syndrome, Kaufman type. Also called: Blepharophimosis-ptosis-intellectual disability syndrome. Identifiers: Orphanet 2707, MedGen C1855663, MONDO:0009485, OMIM 244450.

Allele frequency attached by ClinVar (database versions not stated): TOPMed below 0.00001; gnomAD 0.00001 and 0.00002; gnomAD exomes 0.00001; ExAC 0.00002.

Submissions (3):

Labcorp Genetics (formerly Invitae), Labcorp
Classification: Pathogenic. Last evaluated: 2023-10-20. Review status: criteria provided, single submitter. Criteria: Invitae Variant Classification Sherloc (09022015). Collection method: clinical testing. Allele origin: germline.
Comment: This sequence change creates a premature translational stop signal (p.Arg618*) in the UBE3B gene. It is expected to result in an absent or disrupted protein product. Loss-of-function variants in UBE3B are known to be pathogenic (PMID: 23687348, 24615390). The frequency data for this variant in the population databases is considered unreliable, as metrics indicate poor data quality at this position in the gnomAD database. This variant has not been reported in the literature in individuals affected with UBE3B-related conditions. ClinVar contains an entry for this variant (Variation ID: 504153). For these reasons, this variant has been classified as Pathogenic.

GeneDx
Classification: Likely pathogenic. Last evaluated: 2018-01-26. Review status: criteria provided, single submitter. Criteria: GeneDx Variant Classification (06012015). Collection method: clinical testing. Allele origin: germline. Affected: yes.
Comment: The R618X variant in the UBE3B gene has not been reported previously as a pathogenic variant nor as a benign variant, to our knowledge. This variant is predicted to cause loss of normal protein function either through protein truncation or nonsense-mediated mRNA decay. The R618X variant is not observed at a significant frequency in large population cohorts (Lek et al., 2016). We interpret R618X as a likely pathogenic variant.

Genomics England Pilot Project, Genomics England
Classification: Likely pathogenic for Oculocerebrofacial syndrome, Kaufman type. Review status: no assertion criteria provided. Criteria: ACGS Guidelines, 2016. Collection method: clinical testing. Allele origin: germline. Affected: yes. Not counted in ClinVar's aggregate classification.

Literature cited by the submitters: PubMed 23687348 (cited by Labcorp Genetics (formerly Invitae), Labcorp); PubMed 24615390 (cited by Labcorp Genetics (formerly Invitae), Labcorp).